The following is an entry in ClinVar:

ClinVar aggregate classification (germline): Likely benign. Review status: criteria provided, single submitter (1 of 4 stars). 2 submissions from 2 submitters: Likely benign (1). 1 of the submissions does not count toward it. Last evaluated 2026-01-15.

Conditions:
Transcobalamin I deficiency (TCN1D). Also called: COBALAMIN PSEUDODEFICIENCY DUE TO TRANSCOBALAMIN DEFICIENCY; COBALAMIN R BINDER PROTEIN DEFICIENCY; TCN1 DEFICIENCY. Identifiers: Orphanet 2967, MedGen C0342700, MONDO:0008659, OMIM 193090.
TCN1-related disorder. Also called: TCN1-related condition.

Allele frequency attached by ClinVar (database versions not stated): TOPMed 0.00016; gnomAD 0.00018 and 0.00019; gnomAD exomes 0.00019; ExAC 0.00020; ESP Exome Variant Server 0.00031.
gnomAD v4.1: 321 of 1,613,396 alleles (0.02%); highest among the groups gnomAD compares: Middle Eastern, 0.033%; 2 homozygotes.

Submissions (2):

Labcorp Genetics (formerly Invitae), Labcorp
Classification: Likely benign for Transcobalamin I deficiency. Last evaluated: 2026-01-15. Review status: criteria provided, single submitter. Criteria: Invitae Variant Classification Sherloc (09022015). Collection method: clinical testing. Allele origin: germline.

PreventionGenetics, part of Exact Sciences
Classification: Likely benign for TCN1-related condition. Last evaluated: 2019-11-25. Review status: no assertion criteria provided. Collection method: clinical testing. Allele origin: germline. Not counted in ClinVar's aggregate classification.
Comment: This variant is classified as likely benign based on ACMG/AMP sequence variant interpretation guidelines (Richards et al. 2015 PMID: 25741868, with internal and published modifications).

NM_001062.4(TCN1):c.357C>T (p.Ile119=)

Gene: TCN1 (transcobalamin 1; minus strand). Cytogenetic location: 11q12.1.
Variant type: single nucleotide variant.
Coding change: c.357C>T on transcript NM_001062.4 (MANE Select); coding-DNA position 357, C replaced by T.
Protein change: p.Ile119=; no amino-acid change (isoleucine 119 retained).
Molecular consequence: synonymous variant.
Genome position (GRCh38, 1-based): chr11:59,862,625, G>A on the plus strand (C>T on the coding strand, the complement: TCN1 is on the minus strand). VCF-style: chr11-59862625-G-A. GRCh37 (hg19) VCF-style: chr11-59630098-G-A.
Other names: c.357C>T (NM_001062.3).
Identifiers: ClinVar variation 1623688 (VCV001623688.10), dbSNP rs144166853, ClinGen allele CA6022047.